The following is an entry in ClinVar:

NM_000548.5(TSC2):c.3255G>C (p.Ser1085=)

Gene: TSC2 (TSC complex subunit 2; plus strand). Cytogenetic location: 16p13.3.
Variant type: single nucleotide variant.
Coding change: c.3255G>C on transcript NM_000548.5 (MANE Select); coding-DNA position 3255, G replaced by C.
Protein change: p.Ser1085=; no amino-acid change (serine 1085 retained).
Molecular consequence: synonymous variant.
Genome position (GRCh38, 1-based): chr16:2,079,399, G>C. VCF-style: chr16-2079399-G-C. GRCh37 (hg19) VCF-style: chr16-2129400-G-C.
Other names: c.3123G>C, p.Ser1041= (NM_001077183.3, NM_001370404.1); c.3255G>C, p.Ser1085= (NM_001114382.3); c.3015G>C, p.Ser1005= (NM_001318827.2); c.2979G>C, p.Ser993= (NM_001318829.2); c.2523G>C, p.Ser841= (NM_001318831.2); c.3156G>C, p.Ser1052= (NM_001318832.2); c.3126G>C, p.Ser1042= (NM_001363528.2, NM_001370405.1, NM_021055.3); c.3255G>C (NM_000548.3).
Identifiers: ClinVar variation 1158864 (VCV001158864.11), dbSNP rs750617693, ClinGen allele CA045017.

ClinVar aggregate classification (germline): Benign/Likely benign. Review status: criteria provided, multiple submitters, no conflicts (2 of 4 stars). 3 submissions from 3 submitters: Benign (1); Likely benign (2). Last evaluated 2025-05-28.

Conditions:
Tuberous sclerosis 2 (TSC2). Identifiers: Orphanet 805, MedGen C1860707, MONDO:0013199, OMIM 613254.
Hereditary cancer-predisposing syndrome. Also called: Neoplastic Syndromes, Hereditary; Hereditary Cancer Syndrome; Hereditary neoplastic syndrome; Tumor predisposition. Identifiers: Orphanet 140162, MedGen C0027672, MeSH D009386, MONDO:0015356.

gnomAD v4.1: 6 of 1,612,600 alleles (0.00037%); highest among the groups gnomAD compares: South Asian, 0.0022%; no homozygotes.

Submissions (3):

Myriad Genetics, Inc.
Classification: Benign for Tuberous sclerosis 2. Last evaluated: 2025-05-28. Review status: criteria provided, single submitter. Criteria: Myriad Autosomal Dominant, Autosomal Recessive and X-Linked Classification Criteria (2023). Collection method: clinical testing. Allele origin: unknown.
Comment: This variant is considered benign. This variant is a silent/synonymous amino acid change and it is not expected to impact splicing.

Ambry Genetics
Classification: Likely benign for Hereditary cancer-predisposing syndrome. Last evaluated: 2024-08-21. Review status: criteria provided, single submitter. Criteria: Ambry Variant Classification Scheme 2023. Collection method: clinical testing. Allele origin: germline.

Labcorp Genetics (formerly Invitae), Labcorp
Classification: Likely benign for Tuberous sclerosis 2. Last evaluated: 2024-03-11. Review status: criteria provided, single submitter. Criteria: Invitae Variant Classification Sherloc (09022015). Collection method: clinical testing. Allele origin: germline.